The following is an entry in ClinVar:

ClinVar aggregate classification (germline): Uncertain significance. Review status: criteria provided, multiple submitters, no conflicts (2 of 4 stars). 2 submissions from 2 submitters: Uncertain significance (2). Last evaluated 2025-01-29.

Conditions:
Inborn genetic diseases. Identifiers: MedGen C0950123, MeSH D030342.

Allele frequency attached by ClinVar (database versions not stated): TOPMed 0.00002.
gnomAD v4.1: 1 of 1,613,356 alleles (0.000062%); no homozygotes.

Submissions (2):

Ambry Genetics
Classification: Uncertain significance for Inborn genetic diseases. Last evaluated: 2025-01-29. Review status: criteria provided, single submitter. Criteria: Ambry Variant Classification Scheme 2023. Collection method: clinical testing. Allele origin: germline.

GeneDx
Classification: Uncertain significance. Last evaluated: 2022-06-10. Review status: criteria provided, single submitter. Criteria: GeneDx Variant Classification Process June 2021. Collection method: clinical testing. Allele origin: germline. Affected: yes.
Comment: Not observed at significant frequency in large population cohorts (gnomAD); In silico analysis supports that this missense variant does not alter protein structure/function; Has not been previously published as pathogenic or benign to our knowledge

NM_000163.5(GHR):c.736G>A (p.Val246Met)

Gene: GHR (growth hormone receptor; plus strand). Cytogenetic location: 5p12.
Variant type: single nucleotide variant.
Coding change: c.736G>A on transcript NM_000163.5 (MANE Select); coding-DNA position 736, G replaced by A.
Protein change: p.Val246Met; replaces valine 246 with methionine.
Molecular consequence: missense variant.
Genome position (GRCh38, 1-based): chr5:42,711,324, G>A. VCF-style: chr5-42711324-G-A. GRCh37 (hg19) VCF-style: chr5-42711426-G-A.
Other names: c.757G>A, p.Val253Met (NM_001242399.2); c.736G>A, p.Val246Met (NM_001242400.2, NM_001242401.4, NM_001242402.2 and 5 more transcripts); c.670G>A, p.Val224Met (NM_001242460.2); short protein forms V224M, V246M, V253M.
Identifiers: ClinVar variation 1804488 (VCV001804488.2), dbSNP rs1758448186, ClinGen allele CA359696036.